The following is an entry in ClinVar:

ClinVar aggregate classification (germline): Uncertain significance. Review status: criteria provided, multiple submitters, no conflicts (2 of 4 stars). 2 submissions from 2 submitters: Uncertain significance (2). Last evaluated 2023-12-05.

Conditions:
Inborn genetic diseases. Identifiers: MedGen C0950123, MeSH D030342.

Allele frequency attached by ClinVar (database versions not stated): gnomAD 0.00012 and 0.00014; gnomAD exomes 0.00013 and 0.00036; TOPMed 0.00013; ExAC 0.00014; ESP Exome Variant Server 0.00015; 1000 Genomes Project 30x 0.00016; 1000 Genomes Project 0.00020.
gnomAD v4.1: 536 of 1,614,150 alleles (0.033%); highest among the groups gnomAD compares: Non-Finnish European, 0.044%; 1 homozygote.

Submissions (2):

Ambry Genetics
Classification: Uncertain significance for Inborn genetic diseases. Last evaluated: 2023-12-05. Review status: criteria provided, single submitter. Criteria: Ambry Variant Classification Scheme 2023. Collection method: clinical testing. Allele origin: germline.

Labcorp Genetics (formerly Invitae), Labcorp
Classification: Uncertain significance. Last evaluated: 2022-05-14. Review status: criteria provided, single submitter. Criteria: Invitae Variant Classification Sherloc (09022015). Collection method: clinical testing. Allele origin: germline.
Comment: This sequence change replaces isoleucine, which is neutral and non-polar, with methionine, which is neutral and non-polar, at codon 301 of the NANS protein (p.Ile301Met). This variant is present in population databases (rs186141807, gnomAD 0.03%). This variant has not been reported in the literature in individuals affected with NANS-related conditions. Algorithms developed to predict the effect of missense changes on protein structure and function are either unavailable or do not agree on the potential impact of this missense change (SIFT: "Deleterious"; PolyPhen-2: "Probably Damaging"; Align-GVGD: "Class C0"). In summary, the available evidence is currently insufficient to determine the role of this variant in disease. Therefore, it has been classified as a Variant of Uncertain Significance.

NM_018946.4(NANS):c.903T>G (p.Ile301Met)

Genes: NANS (N-acetylneuraminate synthase; plus strand), TRIM14 (tripartite motif containing 14; minus strand). Cytogenetic location: 9q22.33.
Variant type: single nucleotide variant.
Coding change: c.903T>G on transcript NM_018946.4 (MANE Select); coding-DNA position 903, T replaced by G.
Protein change: p.Ile301Met; replaces isoleucine 301 with methionine.
Molecular consequence: missense variant.
Genome position (GRCh38, 1-based): chr9:98,082,878, T>G. VCF-style: chr9-98082878-T-G. GRCh37 (hg19) VCF-style: chr9-100845160-T-G.
Other names: c.903T>G (NM_018946.3); short protein forms I301M.
Identifiers: ClinVar variation 1441340 (VCV001441340.6), dbSNP rs186141807, ClinGen allele CA5150437.